The following is an entry in ClinVar:

NM_001077653.2(TBX20):c.895A>G (p.Ser299Gly)

Gene: TBX20 (T-box transcription factor 20; minus strand). Cytogenetic location: 7p14.2.
Variant type: single nucleotide variant.
Coding change: c.895A>G on transcript NM_001077653.2 (MANE Select); coding-DNA position 895, A replaced by G.
Protein change: p.Ser299Gly; replaces serine 299 with glycine.
Molecular consequence: missense variant.
Genome position (GRCh38, 1-based): chr7:35,204,578, T>C on the plus strand (A>G on the coding strand, the complement: TBX20 is on the minus strand). VCF-style: chr7-35204578-T-C. GRCh37 (hg19) VCF-style: chr7-35244190-T-C.
Other names: c.895A>G, p.Ser299Gly (LRG_755t1); short protein forms S299G.
Identifiers: ClinVar variation 518574 (VCV000518574.5), dbSNP rs879081798, ClinGen allele CA156917929.

ClinVar aggregate classification (germline): Uncertain significance (1 of 4 stars; one submission).

Conditions:
Cardiovascular phenotype. Identifiers: MedGen CN230736.

Allele frequency attached by ClinVar (database versions not stated): TOPMed below 0.00001; gnomAD 0.00001; gnomAD exomes 0.00001.
gnomAD v4.1: 12 of 1,611,500 alleles (0.00074%); highest among the groups gnomAD compares: Non-Finnish European, 0.001%; no homozygotes.

Submission:

Ambry Genetics
Classification: Uncertain significance for Cardiovascular phenotype. Last evaluated: 2016-10-07. Review status: criteria provided, single submitter. Criteria: Ambry Variant Classification Scheme 2023. Collection method: clinical testing. Allele origin: germline.
Comment: The p.S299G variant (also known as c.895A>G), located in coding exon 7 of the TBX20 gene, results from an A to G substitution at nucleotide position 895. The serine at codon 299 is replaced by glycine, an amino acid with similar properties. This variant was not reported in population based cohorts in the following databases: Database of Single Nucleotide Polymorphisms (dbSNP), NHLBI Exome Sequencing Project (ESP), and 1000 Genomes Project. In the ESP, this variant was not observed in 6017 samples (12034 alleles) with coverage at this position. This amino acid position is highly conserved in available vertebrate species. In addition, the in silico prediction for this alteration is inconclusive. Since supporting evidence is limited at this time, the clinical significance of this alteration remains unclear.